The following is an entry in ClinVar:

NM_004333.6(BRAF):c.1146G>C (p.Leu382Phe)

Gene: BRAF (B-Raf proto-oncogene, serine/threonine kinase; minus strand). Cytogenetic location: 7q34.
Variant type: single nucleotide variant.
Coding change: c.1146G>C on transcript NM_004333.6 (MANE Select); coding-DNA position 1146, G replaced by C.
Protein change: p.Leu382Phe; replaces leucine 382 with phenylalanine.
Molecular consequence: missense variant. On other transcripts: intron variant (1).
Genome position (GRCh38, 1-based): chr7:140,787,579, C>G on the plus strand (G>C on the coding strand, the complement: BRAF is on the minus strand). VCF-style: chr7-140787579-C-G. GRCh37 (hg19) VCF-style: chr7-140487379-C-G.
Other names: c.1146G>C, p.Leu382Phe (NM_001354609.2, NM_001374244.1, NM_001374258.1 and 3 more transcripts); c.1155G>C, p.Leu385Phe (NM_001378467.1); c.1044G>C, p.Leu348Phe (NM_001378470.1); c.990G>C, p.Leu330Phe (NM_001378472.1, NM_001378473.1); c.882G>C, p.Leu294Phe (NM_001378475.1); c.1141-4496G>C (NM_001378471.1); short protein forms L294F, L382F, L348F, L385F, L330F.
Identifiers: ClinVar variation 931305 (VCV000931305.5), dbSNP rs1801519948, ClinGen allele CA369589649.
Genomic context (GRCh38, chr7:140,787,579, plus strand): 5'-TTTTAAAAAAACCTGAAATCACTACTTACCTCCATCACCACGAAATCCTTGGTCTCTAAT[C>G]AAGTCCTACAAATAAATAGTAATGTATATTTATTCCAAGCAAGCATATAATCAGAGAGTA-3'
Protein context (NP_004324.2, residues 372-392): NTIEPVNIDD[Leu382Phe]IRDQGFRGDG

ClinVar aggregate classification (germline): Uncertain significance. Review status: criteria provided, multiple submitters, no conflicts (2 of 4 stars). 2 submissions from 2 submitters: Uncertain significance (2). Last evaluated 2024-06-21.

Conditions:
Cardiofaciocutaneous syndrome 1 (CFC1). Also called: BRAF-Related Cardiofaciocutaneous Syndrome; MAP2K1-Related Cardiofaciocutaneous Syndrome; KRAS-Related Cardiofaciocutaneous Syndrome; MAP2K2-Related Cardiofaciocutaneous Syndrome. Identifiers: Orphanet 1340, MedGen CN029449, MONDO:0007265, OMIM 115150. Disease mechanism: gain of function.
RASopathy. Also called: rasopathies; Noonan spectrum disorder. Identifiers: Orphanet 536391, MedGen C5555857, MONDO:0021060.

Submissions (2):

Labcorp Genetics (formerly Invitae), Labcorp
Classification: Uncertain significance for RASopathy. Last evaluated: 2024-06-21. Review status: criteria provided, single submitter. Criteria: Invitae Variant Classification Sherloc (09022015). Collection method: clinical testing. Allele origin: germline.
Comment: This sequence change replaces leucine, which is neutral and non-polar, with phenylalanine, which is neutral and non-polar, at codon 382 of the BRAF protein (p.Leu382Phe). This variant is not present in population databases (gnomAD no frequency). This variant has not been reported in the literature in individuals affected with BRAF-related conditions. ClinVar contains an entry for this variant (Variation ID: 931305). Advanced modeling of protein sequence and biophysical properties (such as structural, functional, and spatial information, amino acid conservation, physicochemical variation, residue mobility, and thermodynamic stability) performed at Invitae indicates that this missense variant is not expected to disrupt BRAF protein function with a negative predictive value of 80%. In summary, the available evidence is currently insufficient to determine the role of this variant in disease. Therefore, it has been classified as a Variant of Uncertain Significance.

Centre for Mendelian Genomics, University Medical Centre Ljubljana
Classification: Uncertain significance for Cardiofaciocutaneous syndrome 1. Last evaluated: 2019-03-08. Review status: criteria provided, single submitter. Criteria: ACMG Guidelines, 2015. Collection method: clinical testing. Allele origin: unknown. Affected: yes.
Comment: This variant was classified as: Uncertain significance. The available evidence on this variant's pathogenicity is insufficient or conflicting. The following ACMG criteria were applied in classifying this variant: PM2.